The following is an entry in ClinVar:

ClinVar aggregate classification (germline): Pathogenic (1 of 4 stars; one submission).

Conditions:
Congenital disorder of deglycosylation (CDDG). Identifiers: MedGen C3808991, MONDO:0031376.

Submission:

Labcorp Genetics (formerly Invitae), Labcorp
Classification: Pathogenic for Congenital disorder of deglycosylation. Last evaluated: 2023-07-25. Review status: criteria provided, single submitter. Criteria: Invitae Variant Classification Sherloc (09022015). Collection method: clinical testing. Allele origin: germline.
Comment: For these reasons, this variant has been classified as Pathogenic. This variant has not been reported in the literature in individuals affected with NGLY1-related conditions. This variant is not present in population databases (gnomAD no frequency). This sequence change creates a premature translational stop signal (p.Ile101Asnfs*3) in the NGLY1 gene. It is expected to result in an absent or disrupted protein product. Loss-of-function variants in NGLY1 are known to be pathogenic (PMID: 24651605).

Literature cited by the submitters: PubMed 24651605.

NM_018297.4(NGLY1):c.301dup (p.Ile101fs)

Gene: NGLY1 (N-glycanase 1; minus strand). Cytogenetic location: 3p24.2.
Variant type: Duplication.
Coding change: c.301dup on transcript NM_018297.4 (MANE Select); coding-DNA position 301, one base duplicated (A; older notation c.301dupA).
Protein change: p.Ile101fs; shifts the reading frame from isoleucine 101.
Molecular consequence: frameshift variant.
Genome position (GRCh38, 1-based): chr3:25,764,257, T duplicated on the plus strand (A on the coding strand, the reverse complement: NGLY1 is on the minus strand); the first of 6 consecutive T bases (chr3:25,764,257-25,764,262); duplicating any one gives the same sequence. VCF-style (leftmost placement, unchanged base first): chr3-25764256-A-AT. GRCh37 (hg19) VCF-style: chr3-25805747-A-AT.
Other names: c.301dup, p.Ile101fs (NM_001145293.2, NM_001145295.2); c.175dup, p.Ile59fs (NM_001145294.2); short protein forms I59fs, I101fs.
Identifiers: ClinVar variation 2741540 (VCV002741540.3), dbSNP rs2470675305, ClinGen allele CA2664799907.